The following is an entry in ClinVar:

NM_001358921.2(COQ2):c.-23C>G

Genes: COQ2 (coenzyme Q2, polyprenyltransferase; minus strand), LOC112997540 (Sharpr-MPRA regulatory region 13773; plus strand). Cytogenetic location: 4q21.23.
Variant type: single nucleotide variant.
Coding change: c.-23C>G on transcript NM_001358921.2 (MANE Select); 23 bases upstream of the start codon, C replaced by G.
Molecular consequence: 5 prime UTR variant. On other transcripts: missense variant (1).
Genome position (GRCh38, 1-based): chr4:83,284,787, G>C on the plus strand (C>G on the coding strand, the complement: COQ2 is on the minus strand). VCF-style: chr4-83284787-G-C. GRCh37 (hg19) VCF-style: chr4-84205940-G-C.
Other names: p.A43G:GCT>GGT; c.128C>G, p.Ala43Gly (NM_015697.9); c.128C>G (NM_015697.8); short protein forms A43G.
Identifiers: ClinVar variation 214220 (VCV000214220.8), dbSNP rs368891722, ClinGen allele CA323572.

ClinVar aggregate classification (germline): Conflicting classifications of pathogenicity. Review status: criteria provided, conflicting classifications (1 of 4 stars). 5 submissions from 5 submitters: Uncertain significance (4); Likely benign (1). Last evaluated 2026-05-06.

Conditions:
Inborn genetic diseases. Identifiers: MedGen C0950123, MeSH D030342.
Coenzyme Q10 deficiency, primary, 1. Also called: UBIQUINONE DEFICIENCY 1; COENZYME Q DEFICIENCY 1; CoQ DEFICIENCY 1. Identifiers: Orphanet 255249, MedGen C3551954, MONDO:0011829, OMIM 607426.

Allele frequency attached by ClinVar (database versions not stated): gnomAD 0.00013; ExAC 0.00013; TOPMed 0.00014.

Submissions (5):

Women's Health and Genetics/Laboratory Corporation of America, LabCorp
Classification: Uncertain significance. Last evaluated: 2026-05-06. Review status: criteria provided, single submitter. Criteria: LabCorp Variant Classification Summary - May 2015. Collection method: clinical testing. Allele origin: germline.
Comment: Variant summary: COQ2 c.128C>G (p.Ala43Gly) results in a non-conservative amino acid change in the encoded protein sequence. Algorithms developed to predict the effect of missense changes on protein structure and function are either unavailable or do not agree on the potential impact of this missense change. The variant allele was found at a frequency of 6.6e-05 in 182762 control chromosomes. This frequency is not significantly higher than estimated for disease-causing variants in COQ2, allowing no conclusion about variant significance. To our knowledge, no occurrence of c.128C>G in individuals affected with COQ2-related conditions and no experimental evidence demonstrating its impact on protein function have been reported. ClinVar contains an entry for this variant (Variation ID: 214220). Based on the evidence outlined above, the variant was classified as uncertain significance.

Revvity Omics, Revvity
Classification: Uncertain significance for Coenzyme Q10 deficiency, primary, 1. Last evaluated: 2023-11-02. Review status: criteria provided, single submitter. Criteria: ACMG Guidelines, 2015. Collection method: clinical testing. Allele origin: germline.

Labcorp Genetics (formerly Invitae), Labcorp
Classification: Uncertain significance. Last evaluated: 2022-10-08. Review status: criteria provided, single submitter. Criteria: Invitae Variant Classification Sherloc (09022015). Collection method: clinical testing. Allele origin: germline.
Comment: This sequence change replaces alanine, which is neutral and non-polar, with glycine, which is neutral and non-polar, at codon 43 of the COQ2 protein (p.Ala43Gly). This variant is present in population databases (rs368891722, gnomAD 0.01%). This variant has not been reported in the literature in individuals affected with COQ2-related conditions. ClinVar contains an entry for this variant (Variation ID: 214220). Algorithms developed to predict the effect of missense changes on protein structure and function are either unavailable or do not agree on the potential impact of this missense change (SIFT: "Deleterious"; PolyPhen-2: "Benign"; Align-GVGD: "Class C0"). In summary, the available evidence is currently insufficient to determine the role of this variant in disease. Therefore, it has been classified as a Variant of Uncertain Significance.

Ambry Genetics
Classification: Uncertain significance for Inborn genetic diseases. Last evaluated: 2022-01-13. Review status: criteria provided, single submitter. Criteria: Ambry Variant Classification Scheme 2023. Collection method: clinical testing. Allele origin: germline.

GeneDx
Classification: Likely benign. Last evaluated: 2015-11-06. Review status: criteria provided, single submitter. Criteria: GeneDx Variant Classification (06012015). Collection method: clinical testing. Allele origin: germline. Affected: yes.
Comment: This variant is considered likely benign or benign based on one or more of the following criteria: it is a conservative change, it occurs at a poorly conserved position in the protein, it is predicted to be benign by multiple in silico algorithms, and/or has population frequency not consistent with disease.

Literature cited by the submitters: PubMed 27394078 (cited by Ambry Genetics).